The following is an entry in ClinVar:

NM_001776.6(ENTPD1):c.1494C>T (p.Ile498=)

Genes: ENTPD1 (ectonucleoside triphosphate diphosphohydrolase 1; plus strand), ENTPD1-AS1 (ENTPD1 antisense RNA 1; minus strand). Cytogenetic location: 10q24.1.
Variant type: single nucleotide variant.
Coding change: c.1494C>T on transcript NM_001776.6 (MANE Select); coding-DNA position 1494, C replaced by T.
Protein change: p.Ile498=; no amino-acid change (isoleucine 498 retained).
Molecular consequence: synonymous variant. On other transcripts: intron variant (1).
Genome position (GRCh38, 1-based): chr10:95,866,344, C>T. VCF-style: chr10-95866344-C-T. GRCh37 (hg19) VCF-style: chr10-97626101-C-T.
Other names: c.1515C>T, p.Ile505= (NM_001098175.2); c.1530C>T, p.Ile510= (NM_001164178.1); c.1371C>T, p.Ile457= (NM_001164179.2); c.1170C>T, p.Ile390= (NM_001164181.1, NM_001312654.1); c.1080C>T, p.Ile360= (NM_001164182.2, NM_001164183.2); c.1362+1483C>T (NM_001320916.1).
Identifiers: ClinVar variation 706176 (VCV000706176.27), dbSNP rs565508317, ClinGen allele CA5621671.

ClinVar aggregate classification (germline): Benign/Likely benign. Review status: criteria provided, multiple submitters, no conflicts (2 of 4 stars). 4 submissions from 4 submitters: Benign (1); Likely benign (2). 1 of the submissions does not count toward it. Last evaluated 2025-10-29.

Conditions:
ENTPD1-related disorder. Also called: ENTPD1-related condition.
Hereditary spastic paraplegia 64. Also called: Spastic paraplegia 64, autosomal recessive; ENTPD1-Related Neurodevelopmental Disorder. Identifiers: Orphanet 401810, MedGen C3810289, MONDO:0014303, OMIM 615683.
Hereditary spastic paraplegia. Also called: Familial spastic paraparesis. Identifiers: Orphanet 685, MedGen C0037773, MONDO:0019064. Disease mechanism: loss of function.

Allele frequency attached by ClinVar (database versions not stated): gnomAD below 0.00001 and 0.00017; TOPMed 0.00003; gnomAD exomes 0.00022 and 0.00061; ExAC 0.00069; 1000 Genomes Project 30x 0.00234; 1000 Genomes Project 0.00280.
gnomAD v4.1: 348 of 1,614,188 alleles (0.022%); highest among the groups gnomAD compares: South Asian, 0.35%; 2 homozygotes.

Submissions (4):

Labcorp Genetics (formerly Invitae), Labcorp
Classification: Benign for Hereditary spastic paraplegia 64. Last evaluated: 2025-10-29. Review status: criteria provided, single submitter. Criteria: Invitae Variant Classification Sherloc (09022015). Collection method: clinical testing. Allele origin: germline.

CeGaT Center for Human Genetics Tuebingen
Classification: Likely benign. Last evaluated: 2024-11-01. Review status: criteria provided, single submitter. Criteria: CeGaT Center For Human Genetics Tuebingen Variant Classification Criteria Version 2. Collection method: clinical testing. Allele origin: germline. Affected: yes. Observed: 1 variant allele.
Comment: ENTPD1: BP4, BP7

Genome Diagnostics Laboratory, The Hospital for Sick Children
Classification: Likely benign for Hereditary spastic paraplegia. Last evaluated: 2021-12-16. Review status: criteria provided, single submitter. Criteria: ACMG Guidelines, 2015. Collection method: clinical testing. Allele origin: germline. Affected: yes.

PreventionGenetics, part of Exact Sciences
Classification: Likely benign for ENTPD1-related condition. Last evaluated: 2023-11-16. Review status: no assertion criteria provided. Collection method: clinical testing. Allele origin: germline. Not counted in ClinVar's aggregate classification.
Comment: This variant is classified as likely benign based on ACMG/AMP sequence variant interpretation guidelines (Richards et al. 2015 PMID: 25741868, with internal and published modifications).